The following is an entry in ClinVar:

ClinVar aggregate classification (germline): Uncertain significance (1 of 4 stars; one submission).

Allele frequency attached by ClinVar (database versions not stated): gnomAD exomes below 0.00001; TOPMed below 0.00001; gnomAD 0.00001.
gnomAD v4.1: 6 of 1,612,232 alleles (0.00037%); highest among the groups gnomAD compares: East Asian, 0.0089%; no homozygotes.

Submission:

Labcorp Genetics (formerly Invitae), Labcorp
Classification: Uncertain significance. Last evaluated: 2022-05-16. Review status: criteria provided, single submitter. Criteria: Invitae Variant Classification Sherloc (09022015). Collection method: clinical testing. Allele origin: germline.
Comment: This sequence change replaces isoleucine, which is neutral and non-polar, with threonine, which is neutral and polar, at codon 601 of the ARFGEF2 protein (p.Ile601Thr). This variant is present in population databases (no rsID available, gnomAD 0.01%). This variant has not been reported in the literature in individuals affected with ARFGEF2-related conditions. Algorithms developed to predict the effect of missense changes on protein structure and function (SIFT, PolyPhen-2, Align-GVGD) all suggest that this variant is likely to be tolerated. In summary, the available evidence is currently insufficient to determine the role of this variant in disease. Therefore, it has been classified as a Variant of Uncertain Significance.

NM_006420.3(ARFGEF2):c.1802T>C (p.Ile601Thr)

Gene: ARFGEF2 (ARF guanine nucleotide exchange factor 2; plus strand). Cytogenetic location: 20q13.13.
Variant type: single nucleotide variant.
Coding change: c.1802T>C on transcript NM_006420.3 (MANE Select); coding-DNA position 1802, T replaced by C.
Protein change: p.Ile601Thr; replaces isoleucine 601 with threonine.
Molecular consequence: missense variant.
Genome position (GRCh38, 1-based): chr20:48,976,043, T>C. VCF-style: chr20-48976043-T-C. GRCh37 (hg19) VCF-style: chr20-47592580-T-C.
Other names: c.1799T>C, p.Ile600Thr (NM_001410846.1); short protein forms I601T, I600T.
Identifiers: ClinVar variation 1967505 (VCV001967505.5), dbSNP rs1222258036, ClinGen allele CA409331780.